The following is an entry in ClinVar:

NM_000334.4(SCN4A):c.3838_3858dup (p.Thr1286_Leu1287insIlePheGlySerPhePheThr)

Genes: SCN4A (sodium voltage-gated channel alpha subunit 4; minus strand), GH-LCR (growth hormone locus control region; plus strand). Cytogenetic location: 17q23.3.
Variant type: Duplication.
Coding change: c.3838_3858dup on transcript NM_000334.4 (MANE Select); coding-DNA positions 3838 to 3858, 21 bases duplicated (ATCTTTGGCTCCTTCTTCACC).
Protein change: p.Thr1286_Leu1287insIlePheGlySerPhePheThr.
Molecular consequence: inframe insertion.
Genome position (GRCh38, 1-based): chr17:63,944,727-63,944,747, GGTGAAGAAGGAGCCAAAGAT duplicated on the plus strand (ATCTTTGGCTCCTTCTTCACC on the coding strand, the reverse complement: SCN4A is on the minus strand); duplicating any 21 consecutive bases within chr17:63,944,727-63,944,748 gives the same sequence; the c. name uses the placement nearest the transcript's 3' end. VCF-style (leftmost placement, unchanged base first): chr17-63944726-G-GGGTGAAGAAGGAGCCAAAGAT. GRCh37 (hg19) VCF-style: chr17-62022086-G-GGGTGAAGAAGGAGCCAAAGAT.
Identifiers: ClinVar variation 3898674 (VCV003898674.7).

ClinVar aggregate classification (germline): Uncertain significance (1 of 4 stars; one submission).

Submission:

CeGaT Center for Human Genetics Tuebingen
Classification: Uncertain significance. Last evaluated: 2025-04-01. Review status: criteria provided, single submitter. Criteria: CeGaT Center For Human Genetics Tuebingen Variant Classification Criteria Version 2. Collection method: clinical testing. Allele origin: germline. Affected: yes. Observed: 1 variant allele.
Comment: SCN4A: PM2